The following is an entry in ClinVar:

NM_001384140.1(PCDH15):c.1483G>A (p.Val495Ile)

Gene: PCDH15 (protocadherin related 15; minus strand). Cytogenetic location: 10q21.1.
Variant type: single nucleotide variant.
Coding change: c.1483G>A on transcript NM_001384140.1 (MANE Select); coding-DNA position 1483, G replaced by A.
Protein change: p.Val495Ile; replaces valine 495 with isoleucine.
Molecular consequence: missense variant.
Genome position (GRCh38, 1-based): chr10:54,183,551, C>T on the plus strand (G>A on the coding strand, the complement: PCDH15 is on the minus strand). VCF-style: chr10-54183551-C-T. GRCh37 (hg19) VCF-style: chr10-55943311-C-T.
Other names: c.1498G>A, p.Val500Ile (NM_001142763.2, NM_001142771.2); c.1483G>A, p.Val495Ile (NM_001142764.2, NM_001142765.2, NM_001142766.2 and 6 more transcripts); c.1372G>A, p.Val458Ile (NM_001142767.2); c.1417G>A, p.Val473Ile (NM_001142768.2, NM_001142773.2, NM_001354404.2); c.1519G>A, p.Val507Ile (NM_001142769.4); c.1504G>A, p.Val502Ile (NM_001354411.2); short protein forms V458I, V473I, V495I, V500I, V502I, V507I.
Identifiers: ClinVar variation 1190436 (VCV001190436.7), dbSNP rs187727835, ClinGen allele CA5506359.

ClinVar aggregate classification (germline): Uncertain significance. Review status: criteria provided, multiple submitters, no conflicts (2 of 4 stars). 4 submissions from 4 submitters: Uncertain significance (2). 2 of the submissions do not count toward it. Last evaluated 2022-08-19.

Conditions:
PCDH15-related disorder. Also called: PCDH15-related condition; PCDH15-related disorders.
Usher syndrome type 1F (USH1F). Also called: USHER SYNDROME, TYPE IF. Identifiers: Orphanet 231169, Orphanet 886, MedGen C1865885, MONDO:0011186, OMIM 602083.

Allele frequency attached by ClinVar (database versions not stated): gnomAD exomes 0.00006 and 0.00011; ESP Exome Variant Server 0.00008; gnomAD 0.00008 and 0.00009; TOPMed 0.00008; ExAC 0.00011; 1000 Genomes Project 0.00040; 1000 Genomes Project 30x 0.00047.
gnomAD v4.1: 108 of 1,613,962 alleles (0.0067%); highest among the groups gnomAD compares: East Asian, 0.056%; no homozygotes.

Submissions (4):

Labcorp Genetics (formerly Invitae), Labcorp
Classification: Uncertain significance. Last evaluated: 2022-08-19. Review status: criteria provided, single submitter. Criteria: Invitae Variant Classification Sherloc (09022015). Collection method: clinical testing. Allele origin: germline.
Comment: This sequence change replaces valine, which is neutral and non-polar, with isoleucine, which is neutral and non-polar, at codon 495 of the PCDH15 protein (p.Val495Ile). This variant is present in population databases (rs187727835, gnomAD 0.04%). This variant has not been reported in the literature in individuals affected with PCDH15-related conditions. ClinVar contains an entry for this variant (Variation ID: 1190436). Algorithms developed to predict the effect of missense changes on protein structure and function output the following: SIFT: "Tolerated"; PolyPhen-2: "Benign"; Align-GVGD: "Class C0". The isoleucine amino acid residue is found in multiple mammalian species, which suggests that this missense change does not adversely affect protein function. In summary, the available evidence is currently insufficient to determine the role of this variant in disease. Therefore, it has been classified as a Variant of Uncertain Significance.

GeneDx
Classification: Uncertain significance. Last evaluated: 2020-11-06. Review status: criteria provided, single submitter. Criteria: GeneDx Variant Classification Process June 2021. Collection method: clinical testing. Allele origin: germline. Affected: yes.
Comment: In silico analysis supports that this missense variant does not alter protein structure/function; Has not been previously published as pathogenic or benign to our knowledge

PreventionGenetics, part of Exact Sciences
Classification: Uncertain significance for PCDH15-related condition. Last evaluated: 2024-08-22. Review status: no assertion criteria provided. Collection method: clinical testing. Allele origin: germline. Not counted in ClinVar's aggregate classification.
Comment: The PCDH15 c.1483G>A variant is predicted to result in the amino acid substitution p.Val495Ile. To our knowledge, this variant has not been reported in the literature. This variant is reported in 0.035% of alleles in individuals of East Asian descent in gnomAD. At this time, the clinical significance of this variant is uncertain due to the absence of conclusive functional and genetic evidence.

Natera, Inc.
Classification: Uncertain significance for Usher syndrome type 1F. Last evaluated: 2020-01-29. Review status: no assertion criteria provided. Collection method: clinical testing. Allele origin: germline. Not counted in ClinVar's aggregate classification.